The following is an entry in ClinVar:

NM_182643.3(DLC1):c.3397A>G (p.Ile1133Val)

Gene: DLC1 (DLC1 Rho GTPase activating protein; minus strand). Cytogenetic location: 8p22.
Variant type: single nucleotide variant.
Coding change: c.3397A>G on transcript NM_182643.3 (MANE Select); coding-DNA position 3397, A replaced by G.
Protein change: p.Ile1133Val; replaces isoleucine 1133 with valine.
Molecular consequence: missense variant.
Genome position (GRCh38, 1-based): chr8:13,094,888, T>C on the plus strand (A>G on the coding strand, the complement: DLC1 is on the minus strand). VCF-style: chr8-13094888-T-C. GRCh37 (hg19) VCF-style: chr8-12952397-T-C.
Other names: c.1864A>G, p.Ile622Val (NM_001164271.2, NM_001348082.2, NM_001348083.1 and 6 more transcripts); c.2188A>G, p.Ile730Val (NM_001316668.2, NM_001413129.1); c.3397A>G, p.Ile1133Val (NM_001348081.2, NM_001413124.1); c.2179A>G, p.Ile727Val (NM_001413130.1); c.1837A>G, p.Ile613Val (NM_001413131.1, NM_001413137.1); c.2323A>G, p.Ile775Val (NM_001413132.1); c.2086A>G, p.Ile696Val (NM_001413135.1, NM_001413136.1, NM_001413139.1 and 1 more transcripts); c.2221A>G, p.Ile741Val (NM_001413140.1); short protein forms I1133V, I696V, I727V, I730V, I622V, I775V, I613V, I741V.
Identifiers: ClinVar variation 2872388 (VCV002872388.3), dbSNP rs192988550, ClinGen allele CA4638330.

ClinVar aggregate classification (germline): Uncertain significance (1 of 4 stars; one submission).

Allele frequency attached by ClinVar (database versions not stated): gnomAD exomes below 0.00001; ExAC 0.00001; gnomAD 0.00001; TOPMed 0.00001; 1000 Genomes Project 30x 0.00016; 1000 Genomes Project 0.00020.
gnomAD v4.1: 4 of 1,614,262 alleles (0.00025%); highest among the groups gnomAD compares: East Asian, 0.0022%; no homozygotes.

Submission:

Labcorp Genetics (formerly Invitae), Labcorp
Classification: Uncertain significance. Last evaluated: 2023-09-30. Review status: criteria provided, single submitter. Criteria: Invitae Variant Classification Sherloc (09022015). Collection method: clinical testing. Allele origin: germline.
Comment: Algorithms developed to predict the effect of missense changes on protein structure and function output the following: SIFT: "Not Available"; PolyPhen-2: "Benign"; Align-GVGD: "Not Available". The valine amino acid residue is found in multiple mammalian species, which suggests that this missense change does not adversely affect protein function. In summary, the available evidence is currently insufficient to determine the role of this variant in disease. Therefore, it has been classified as a Variant of Uncertain Significance. This variant has not been reported in the literature in individuals affected with DLC1-related conditions. This variant is present in population databases (rs192988550, gnomAD 0.006%). This sequence change replaces isoleucine, which is neutral and non-polar, with valine, which is neutral and non-polar, at codon 1133 of the DLC1 protein (p.Ile1133Val).